The following is an entry in ClinVar:

ClinVar aggregate classification (germline): Uncertain significance (1 of 4 stars; one submission).

Conditions:
Ehlers-Danlos syndrome, classic type, 1 (EDSCL1). Also called: EHLERS-DANLOS SYNDROME, GRAVIS TYPE; EHLERS-DANLOS SYNDROME, SEVERE CLASSIC TYPE; Ehlers-Danlos syndrome, type 1; Ehlers-Danlos Syndrome, Classic Type, COL5A1-Related; EDS I. Identifiers: MedGen C0268335, MONDO:0019567, OMIM 130000.

Submission:

Labcorp Genetics (formerly Invitae), Labcorp
Classification: Uncertain significance for Ehlers-Danlos syndrome, classic type, 1. Last evaluated: 2024-10-08. Review status: criteria provided, single submitter. Criteria: Invitae Variant Classification Sherloc (09022015). Collection method: clinical testing. Allele origin: germline.
Comment: This sequence change replaces proline, which is neutral and non-polar, with serine, which is neutral and polar, at codon 644 of the COL5A2 protein (p.Pro644Ser). This variant is not present in population databases (gnomAD no frequency). This variant has not been reported in the literature in individuals affected with COL5A2-related conditions. Invitae Evidence Modeling of protein sequence and biophysical properties (such as structural, functional, and spatial information, amino acid conservation, physicochemical variation, residue mobility, and thermodynamic stability) indicates that this missense variant is not expected to disrupt COL5A2 protein function with a negative predictive value of 80%. In summary, the available evidence is currently insufficient to determine the role of this variant in disease. Therefore, it has been classified as a Variant of Uncertain Significance.

NM_000393.5(COL5A2):c.1930C>T (p.Pro644Ser)

Gene: COL5A2 (collagen type V alpha 2 chain; minus strand). Cytogenetic location: 2q32.2.
Variant type: single nucleotide variant.
Coding change: c.1930C>T on transcript NM_000393.5 (MANE Select); coding-DNA position 1930, C replaced by T.
Protein change: p.Pro644Ser; replaces proline 644 with serine.
Molecular consequence: missense variant.
Genome position (GRCh38, 1-based): chr2:189,062,912, G>A on the plus strand (C>T on the coding strand, the complement: COL5A2 is on the minus strand). VCF-style: chr2-189062912-G-A. GRCh37 (hg19) VCF-style: chr2-189927638-G-A.
Other names: short protein forms P644S.
Identifiers: ClinVar variation 3703709 (VCV003703709.2).